The following is an entry in ClinVar:

NM_000760.4(CSF3R):c.1711A>G (p.Asn571Asp)

Gene: CSF3R (colony stimulating factor 3 receptor; minus strand). Cytogenetic location: 1p34.3.
Variant type: single nucleotide variant.
Coding change: c.1711A>G on transcript NM_000760.4 (MANE Select); coding-DNA position 1711, A replaced by G.
Protein change: p.Asn571Asp; replaces asparagine 571 with aspartic acid.
Molecular consequence: missense variant.
Genome position (GRCh38, 1-based): chr1:36,468,087, T>C on the plus strand (A>G on the coding strand, the complement: CSF3R is on the minus strand). VCF-style: chr1-36468087-T-C. GRCh37 (hg19) VCF-style: chr1-36933688-T-C.
Other names: c.1711A>G, p.Asn571Asp (NM_156039.3, NM_172313.3); c.1711A>G (NM_000760.3); short protein forms N571D.
Identifiers: ClinVar variation 1449288 (VCV001449288.10), dbSNP rs372318763, ClinGen allele CA769110.

ClinVar aggregate classification (germline): Conflicting classifications of pathogenicity. Review status: criteria provided, conflicting classifications (1 of 4 stars). 2 submissions from 2 submitters: Uncertain significance (1); Likely benign (1). Last evaluated 2025-12-10.

Conditions:
Inborn genetic diseases. Identifiers: MedGen C0950123, MeSH D030342.
Autosomal recessive severe congenital neutropenia due to CSF3R deficiency. Also called: Neutropenia, severe congenital, 7, autosomal recessive. Identifiers: Orphanet 420702, MedGen C4310764, MONDO:0014865, OMIM 617014.

Allele frequency attached by ClinVar (database versions not stated): ExAC 0.00002; gnomAD 0.00002 and 0.00003; gnomAD exomes 0.00002; TOPMed 0.00002; ESP Exome Variant Server 0.00008.
gnomAD v4.1: 32 of 1,614,104 alleles (0.002%); highest among the groups gnomAD compares: Non-Finnish European, 0.0026%; no homozygotes.

Submissions (2):

Labcorp Genetics (formerly Invitae), Labcorp
Classification: Uncertain significance for Autosomal recessive severe congenital neutropenia due to CSF3R deficiency. Last evaluated: 2025-12-10. Review status: criteria provided, single submitter. Criteria: Invitae Variant Classification Sherloc (09022015). Collection method: clinical testing. Allele origin: germline.
Comment: This sequence change replaces asparagine, which is neutral and polar, with aspartic acid, which is acidic and polar, at codon 571 of the CSF3R protein (p.Asn571Asp). This variant is present in population databases (rs372318763, gnomAD 0.005%). This variant has not been reported in the literature in individuals affected with CSF3R-related conditions. ClinVar contains an entry for this variant (Variation ID: 1449288). Invitae Evidence Modeling of protein sequence and biophysical properties (such as structural, functional, and spatial information, amino acid conservation, physicochemical variation, residue mobility, and thermodynamic stability) indicates that this missense variant is not expected to disrupt CSF3R protein function with a negative predictive value of 80%. In summary, the available evidence is currently insufficient to determine the role of this variant in disease. Therefore, it has been classified as a Variant of Uncertain Significance.

Ambry Genetics
Classification: Likely benign for Inborn genetic diseases. Last evaluated: 2024-09-11. Review status: criteria provided, single submitter. Criteria: Ambry Variant Classification Scheme 2023. Collection method: clinical testing. Allele origin: germline.